The following is an entry in ClinVar:

NM_000843.4(GRM6):c.2486C>T (p.Ser829Leu)

Genes: GRM6 (glutamate metabotropic receptor 6; minus strand), ZNF454 (zinc finger protein 454; plus strand). Cytogenetic location: 5q35.3.
Variant type: single nucleotide variant.
Coding change: c.2486C>T on transcript NM_000843.4 (MANE Select); coding-DNA position 2486, C replaced by T.
Protein change: p.Ser829Leu; replaces serine 829 with leucine.
Molecular consequence: missense variant.
Genome position (GRCh38, 1-based): chr5:178,981,805, G>A on the plus strand (C>T on the coding strand, the complement: GRM6 is on the minus strand). VCF-style: chr5-178981805-G-A. GRCh37 (hg19) VCF-style: chr5-178408806-G-A.
Other names: short protein forms S829L.
Identifiers: ClinVar variation 959838 (VCV000959838.10), dbSNP rs865820370, ClinGen allele CA133016578.

ClinVar aggregate classification (germline): Uncertain significance. Review status: criteria provided, multiple submitters, no conflicts (2 of 4 stars). 2 submissions from 2 submitters: Uncertain significance (2). Last evaluated 2022-11-16.

Allele frequency attached by ClinVar (database versions not stated): gnomAD 0.00001; gnomAD exomes 0.00001; TOPMed 0.00001.
gnomAD v4.1: 12 of 1,612,328 alleles (0.00074%); highest among the groups gnomAD compares: South Asian, 0.0055%; no homozygotes.

Submissions (2):

Blueprint Genetics
Classification: Uncertain significance. Last evaluated: 2022-11-16. Review status: criteria provided, single submitter. Criteria: ACMG Guidelines, 2015. Collection method: clinical testing. Allele origin: germline.

Labcorp Genetics (formerly Invitae), Labcorp
Classification: Uncertain significance. Last evaluated: 2022-07-18. Review status: criteria provided, single submitter. Criteria: Invitae Variant Classification Sherloc (09022015). Collection method: clinical testing. Allele origin: germline.
Comment: Advanced modeling of protein sequence and biophysical properties (such as structural, functional, and spatial information, amino acid conservation, physicochemical variation, residue mobility, and thermodynamic stability) performed at Invitae indicates that this missense variant is not expected to disrupt GRM6 protein function. ClinVar contains an entry for this variant (Variation ID: 959838). This variant has not been reported in the literature in individuals affected with GRM6-related conditions. This variant is not present in population databases (gnomAD no frequency). This sequence change replaces serine, which is neutral and polar, with leucine, which is neutral and non-polar, at codon 829 of the GRM6 protein (p.Ser829Leu). In summary, the available evidence is currently insufficient to determine the role of this variant in disease. Therefore, it has been classified as a Variant of Uncertain Significance.